The following is an entry in ClinVar:

NM_002471.4(MYH6):c.2336G>A (p.Arg779Gln)

Gene: MYH6 (myosin heavy chain 6; minus strand). Cytogenetic location: 14q11.2.
Variant type: single nucleotide variant.
Coding change: c.2336G>A on transcript NM_002471.4 (MANE Select); coding-DNA position 2336, G replaced by A.
Protein change: p.Arg779Gln; replaces arginine 779 with glutamine.
Molecular consequence: missense variant.
Genome position (GRCh38, 1-based): chr14:23,396,377, C>T on the plus strand (G>A on the coding strand, the complement: MYH6 is on the minus strand). VCF-style: chr14-23396377-C-T. GRCh37 (hg19) VCF-style: chr14-23865586-C-T.
Other names: short protein forms R779Q.
Identifiers: ClinVar variation 649609 (VCV000649609.14), dbSNP rs1486610243, ClinGen allele CA389016360.

ClinVar aggregate classification (germline): Uncertain significance. Review status: criteria provided, multiple submitters, no conflicts (2 of 4 stars). 5 submissions from 5 submitters: Uncertain significance (5). Last evaluated 2026-04-20.

Conditions:
MYH6-related disorder. Also called: MYH6-Related Disorders; MYH6-related condition.
Cardiovascular phenotype. Identifiers: MedGen CN230736.
Hypertrophic cardiomyopathy 14. Identifiers: MedGen C2750467, MONDO:0013197, OMIM 613251.

Allele frequency attached by ClinVar (database versions not stated): gnomAD 0.00001; gnomAD exomes 0.00001 and below 0.00001; TOPMed 0.00002.
gnomAD v4.1: 15 of 1,613,924 alleles (0.00093%); highest among the groups gnomAD compares: African/African-American, 0.004%; no homozygotes.

Submissions (5):

Ambry Genetics
Classification: Uncertain significance for Cardiovascular phenotype. Last evaluated: 2026-04-20. Review status: criteria provided, single submitter. Criteria: Ambry Variant Classification Scheme 2023. Collection method: clinical testing. Allele origin: germline.

GeneDx
Classification: Uncertain significance. Last evaluated: 2026-04-06. Review status: criteria provided, single submitter. Criteria: GeneDx Variant Classification Process June 2021. Collection method: clinical testing. Allele origin: germline.
Comment: Observed in an individual with congenital heart disease who also harbored other variants (PMID: 40127276); Not observed at significant frequency in large population cohorts (gnomAD); In silico analysis supports that this missense variant has a deleterious effect on protein structure/function; This variant is associated with the following publications: (PMID: 40127276)

Labcorp Genetics (formerly Invitae), Labcorp
Classification: Uncertain significance for Hypertrophic cardiomyopathy 14. Last evaluated: 2025-12-22. Review status: criteria provided, single submitter. Criteria: Invitae Variant Classification Sherloc (09022015). Collection method: clinical testing. Allele origin: germline.
Comment: This sequence change replaces arginine, which is basic and polar, with glutamine, which is neutral and polar, at codon 779 of the MYH6 protein (p.Arg779Gln). This variant is present in population databases (no rsID available, gnomAD 0.003%). This variant has not been reported in the literature in individuals affected with MYH6-related conditions. ClinVar contains an entry for this variant (Variation ID: 649609). Invitae Evidence Modeling of protein sequence and biophysical properties (such as structural, functional, and spatial information, amino acid conservation, physicochemical variation, residue mobility, and thermodynamic stability) indicates that this missense variant is expected to disrupt MYH6 protein function with a positive predictive value of 80%. In summary, the available evidence is currently insufficient to determine the role of this variant in disease. Therefore, it has been classified as a Variant of Uncertain Significance.

Women's Health and Genetics/Laboratory Corporation of America, LabCorp
Classification: Uncertain significance. Last evaluated: 2025-06-17. Review status: criteria provided, single submitter. Criteria: LabCorp Variant Classification Summary - May 2015. Collection method: clinical testing. Allele origin: germline.
Comment: Variant summary: MYH6 c.2336G>A (p.Arg779Gln) results in a conservative amino acid change in the encoded protein sequence. Algorithms developed to predict the effect of missense changes on protein structure and function are either unavailable or do not agree on the potential impact of this missense change. The variant allele was found at a frequency of 4e-06 in 251060 control chromosomes (gnomAD). The available data on variant occurrences in the general population are insufficient to allow any conclusion about variant significance. To our knowledge, no occurrence of c.2336G>A in individuals affected with Cardiomyopathy and no experimental evidence demonstrating its impact on protein function have been reported. ClinVar contains an entry for this variant (Variation ID: 649609). Based on the evidence outlined above, the variant was classified as uncertain significance.

PreventionGenetics, part of Exact Sciences
Classification: Uncertain significance for MYH6-related condition. Last evaluated: 2023-09-24. Review status: criteria provided, single submitter. Criteria: ACMG Guidelines, 2015. Collection method: clinical testing. Allele origin: germline.
Comment: The MYH6 c.2336G>A variant is predicted to result in the amino acid substitution p.Arg779Gln. To our knowledge, this variant has not been reported in the literature. This variant is reported in 0.0029% of alleles in individuals of Latino descent in gnomAD. At this time, the clinical significance of this variant is uncertain due to the absence of conclusive functional and genetic evidence.